The following is an entry in ClinVar:

ClinVar aggregate classification (germline): Conflicting classifications of pathogenicity. Review status: criteria provided, conflicting classifications (1 of 4 stars). 2 submissions from 2 submitters: Uncertain significance (1); Likely benign (1). Last evaluated 2021-04-09.

Conditions:
Hereditary pulmonary alveolar proteinosis. Also called: Pulmonary surfactant metabolism dysfunction. Identifiers: Orphanet 264675, MedGen C3711368, MONDO:0012580.

Allele frequency attached by ClinVar (database versions not stated): gnomAD exomes below 0.00001; TOPMed 0.00002; gnomAD 0.00001 and 0.00002.
gnomAD v4.1: 4 of 1,593,324 alleles (0.00025%); highest among the groups gnomAD compares: Admixed American, 0.0036%; no homozygotes.

Submissions (2):

Labcorp Genetics (formerly Invitae), Labcorp
Classification: Likely benign. Last evaluated: 2021-04-09. Review status: criteria provided, single submitter. Criteria: Invitae Variant Classification Sherloc (09022015). Collection method: clinical testing. Allele origin: germline.

Ambry Genetics
Classification: Uncertain significance for Hereditary pulmonary alveolar proteinosis. Last evaluated: 2015-11-16. Review status: criteria provided, single submitter. Criteria: Ambry Variant Classification Scheme 2023. Collection method: clinical testing. Allele origin: germline.
Comment: The c.1119+7C>T intronic variant results from a C to T substitution 7 nucleotides downstream of coding exon 9 in the SFTPB gene. This variant was not reported in population based cohorts in the following databases: Database of Single Nucleotide Polymorphisms (dbSNP), NHLBI Exome Sequencing Project (ESP), and 1000 Genomes Project. In the ESP, this variant was not observed in 6501 samples (13002 alleles) with coverage at this position. This nucleotide position is not well conserved in available vertebrate species. Using the BDGP and ESEfinder splice site prediction tools, this alteration is not predicted to have any significant effect on this splice donor site; however, direct evidence is unavailable. Since supporting evidence is limited at this time, the clinical significance of this variant remains unclear.

NM_000542.5(SFTPB):c.1083+7C>T

Gene: SFTPB (surfactant protein B; minus strand). Cytogenetic location: 2p11.2.
Variant type: single nucleotide variant.
Coding change: c.1083+7C>T on transcript NM_000542.5 (MANE Select); 7 bases into the intron after coding-DNA position 1083, C replaced by T.
Molecular consequence: intron variant.
Genome position (GRCh38, 1-based): chr2:85,662,022, G>A on the plus strand (C>T on the coding strand, the complement: SFTPB is on the minus strand). VCF-style: chr2-85662022-G-A. GRCh37 (hg19) VCF-style: chr2-85889145-G-A.
Other names: c.1083+7C>T (NM_198843.3); c.1002+1324C>T (NM_001367281.1).
Identifiers: ClinVar variation 1571142 (VCV001571142.10), dbSNP rs955981915, ClinGen allele CA51750416.